The following is an entry in ClinVar:

NM_000111.3(SLC26A3):c.616T>C (p.Ser206Pro)

Gene: SLC26A3 (solute carrier family 26 member 3; minus strand). Cytogenetic location: 7q22.3.
Variant type: single nucleotide variant.
Coding change: c.616T>C on transcript NM_000111.3 (MANE Select); coding-DNA position 616, T replaced by C.
Protein change: p.Ser206Pro; replaces serine 206 with proline.
Molecular consequence: missense variant.
Genome position (GRCh38, 1-based): chr7:107,789,643, A>G on the plus strand (T>C on the coding strand, the complement: SLC26A3 is on the minus strand). VCF-style: chr7-107789643-A-G. GRCh37 (hg19) VCF-style: chr7-107430088-A-G.
Other names: short protein forms S206P.
Identifiers: ClinVar variation 56007 (VCV000056007.2), dbSNP rs386833488, ClinGen allele CA144111.

ClinVar aggregate classification (germline): Likely pathogenic (0 of 4 stars; one submission).

Conditions:
Congenital secretory diarrhea, chloride type (DIAR1). Also called: DIARRHEA 1, SECRETORY CHLORIDE, CONGENITAL; CHLORIDORRHEA, CONGENITAL; CHLORIDE DIARRHEA, CONGENITAL, FINNISH TYPE. Identifiers: Orphanet 53689, MedGen C0267662, MONDO:0008964, OMIM 214700.

Allele frequency attached by ClinVar (database versions not stated): gnomAD exomes below 0.00001.
gnomAD v4.1: 1 of 1,614,130 alleles (0.000062%); highest among the groups gnomAD compares: Non-Finnish European, 0.000085%; no homozygotes.

Submission:

Juha Muilu Group; Institute for Molecular Medicine Finland (FIMM)
Classification: Likely pathogenic for Congenital secretory diarrhea, chloride type. Review status: no assertion criteria provided. Collection method: not provided. Allele origin: unknown.
Comment: FinDis database variant: This variant was not found or characterized by our laboratory, data were collected from public sources: see reference
ClinVar note: Converted during submission from probable-pathogenic to Likely pathogenic.